The following is an entry in ClinVar:

NM_025137.4(SPG11):c.2849del (p.Leu950fs)

Gene: SPG11 (SPG11 vesicle trafficking associated, spatacsin; minus strand). Cytogenetic location: 15q21.1.
Variant type: Deletion.
Coding change: c.2849del on transcript NM_025137.4 (MANE Select); coding-DNA position 2849, one base deleted (T; older notation c.2849delT).
Protein change: p.Leu950fs; shifts the reading frame from leucine 950.
Molecular consequence: frameshift variant.
Genome position (GRCh38, 1-based): chr15:44,615,552, A deleted on the plus strand (T on the coding strand, the reverse complement: SPG11 is on the minus strand); the first of 7 consecutive A bases (chr15:44,615,552-44,615,558); deleting any one gives the same sequence. VCF-style (leftmost placement, unchanged base first): chr15-44615551-CA-C. GRCh37 (hg19) VCF-style: chr15-44907749-CA-C.
Other names: c.2849del, p.Leu950fs (NM_001160227.2); short protein forms L950fs.
Identifiers: ClinVar variation 989154 (VCV000989154.9), dbSNP rs1470463921, ClinGen allele CA645575464.

ClinVar aggregate classification (germline): Pathogenic. Review status: criteria provided, multiple submitters, no conflicts (2 of 4 stars). 4 submissions from 4 submitters: Pathogenic (4). Last evaluated 2024-03-12.

Conditions:
Amyotrophic lateral sclerosis type 5 (ALS5). Also called: AMYOTROPHIC LATERAL SCLEROSIS 5, JUVENILE. Identifiers: Orphanet 300605, MedGen C1865864, MONDO:0011196, OMIM 602099.
Charcot-Marie-Tooth disease axonal type 2X. Also called: CHARCOT-MARIE-TOOTH DISEASE, AXONAL, AUTOSOMAL RECESSIVE, TYPE 2X; CHARCOT-MARIE-TOOTH NEUROPATHY, TYPE 2X. Identifiers: Orphanet 466775, MedGen C5569024, MONDO:0014726, OMIM 616668.
Hereditary spastic paraplegia 11. Also called: Spastic Paraplegia 11; Spastic paraplegia, mental retardation and thin corpus callosum; SPASTIC PARAPLEGIA, AUTOSOMAL RECESSIVE, COMPLICATED, WITH THIN CORPUS CALLOSUM; SPASTIC PARAPLEGIA, AUTOSOMAL RECESSIVE, WITH MENTAL IMPAIRMENT AND THIN CORPUS CALLOSUM; Nakamura Osame syndrome; Autosomal recessive hereditary spastic paraplegia, mental impairment, and thin corpus callosum. Identifiers: Orphanet 2822, MedGen C1858479, MONDO:0011445, OMIM 604360.

Submissions (4):

Fulgent Genetics
Classification: Pathogenic for Amyotrophic lateral sclerosis type 5; Hereditary spastic paraplegia 11; Charcot-Marie-Tooth disease axonal type 2X. Last evaluated: 2024-03-12. Review status: criteria provided, single submitter. Criteria: ACMG Guidelines, 2015. Collection method: clinical testing. Allele origin: germline.

Labcorp Genetics (formerly Invitae), Labcorp
Classification: Pathogenic for Hereditary spastic paraplegia 11. Last evaluated: 2021-10-20. Review status: criteria provided, single submitter. Criteria: Invitae Variant Classification Sherloc (09022015). Collection method: clinical testing. Allele origin: germline.
Comment: For these reasons, this variant has been classified as Pathogenic. ClinVar contains an entry for this variant (Variation ID: 989154). This premature translational stop signal has been observed in individual(s) with hereditary spastic paraplegia (PMID: 27071356). This variant is not present in population databases (ExAC no frequency). This sequence change creates a premature translational stop signal (p.Leu950Trpfs*13) in the SPG11 gene. It is expected to result in an absent or disrupted protein product. Loss-of-function variants in SPG11 are known to be pathogenic (PMID: 19105190, 20110243, 22154821, 26556829).

Genome-Nilou Lab
Classification: Pathogenic for Hereditary spastic paraplegia 11. Review status: criteria provided, single submitter. Criteria: ACMG Guidelines, 2015. Collection method: clinical testing. Allele origin: germline.

Paris Brain Institute, Inserm - ICM
Classification: Pathogenic for Hereditary spastic paraplegia 11. Review status: criteria provided, single submitter. Criteria: ACMG Guidelines, 2015. Collection method: clinical testing. Allele origin: unknown. Affected: yes. Observed: 1 variant allele.

Literature cited by the submitters: PubMed 27071356 (cited by Labcorp Genetics (formerly Invitae), Labcorp); PubMed 19105190 (cited by Labcorp Genetics (formerly Invitae), Labcorp); PubMed 20110243 (cited by Labcorp Genetics (formerly Invitae), Labcorp); PubMed 22154821 (cited by Labcorp Genetics (formerly Invitae), Labcorp); PubMed 26556829 (cited by Labcorp Genetics (formerly Invitae), Labcorp).